The following is an entry in ClinVar:

NM_001352754.2(ARMC9):c.1881C>G (p.Ile627Met)

Gene: ARMC9 (armadillo repeat containing 9; plus strand). Cytogenetic location: 2q37.1.
Variant type: single nucleotide variant.
Coding change: c.1881C>G on transcript NM_001352754.2 (MANE Select); coding-DNA position 1881, C replaced by G.
Protein change: p.Ile627Met; replaces isoleucine 627 with methionine.
Molecular consequence: missense variant. On other transcripts: non-coding transcript variant (1).
Genome position (GRCh38, 1-based): chr2:231,344,977, C>G. VCF-style: chr2-231344977-C-G. GRCh37 (hg19) VCF-style: chr2-232209689-C-G.
Other names: c.1881C>G, p.Ile627Met (NM_001271466.4, NM_001291656.2, NM_001352755.2 and 2 more transcripts); c.1782C>G, p.Ile594Met (NM_001352757.2, NM_001352758.2); c.1776C>G, p.Ile592Met (NM_001352759.2); c.1881C>G (NM_025139.3); short protein forms I594M, I592M, I627M.
Identifiers: ClinVar variation 934733 (VCV000934733.6), dbSNP rs148366086, ClinGen allele CA2160535.

ClinVar aggregate classification (germline): Uncertain significance. Review status: criteria provided, multiple submitters, no conflicts (2 of 4 stars). 2 submissions from 2 submitters: Uncertain significance (2). Last evaluated 2023-11-24.

Conditions:
Inborn genetic diseases. Identifiers: MedGen C0950123, MeSH D030342.

Allele frequency attached by ClinVar (database versions not stated): ExAC 0.00013; gnomAD exomes 0.00014 and 0.00017; ESP Exome Variant Server 0.00015; gnomAD 0.00015 and 0.00016; TOPMed 0.00020.
gnomAD v4.1: 280 of 1,613,846 alleles (0.017%); highest among the groups gnomAD compares: Non-Finnish European, 0.02%; no homozygotes.

Submissions (2):

Labcorp Genetics (formerly Invitae), Labcorp
Classification: Uncertain significance. Last evaluated: 2023-11-24. Review status: criteria provided, single submitter. Criteria: Invitae Variant Classification Sherloc (09022015). Collection method: clinical testing. Allele origin: germline.
Comment: This sequence change replaces isoleucine, which is neutral and non-polar, with methionine, which is neutral and non-polar, at codon 627 of the ARMC9 protein (p.Ile627Met). This variant is present in population databases (rs148366086, gnomAD 0.03%). This variant has not been reported in the literature in individuals affected with ARMC9-related conditions. ClinVar contains an entry for this variant (Variation ID: 934733). Experimental studies and prediction algorithms are not available or were not evaluated, and the functional significance of this variant is currently unknown. In summary, the available evidence is currently insufficient to determine the role of this variant in disease. Therefore, it has been classified as a Variant of Uncertain Significance.

Ambry Genetics
Classification: Uncertain significance for Inborn genetic diseases. Last evaluated: 2022-10-26. Review status: criteria provided, single submitter. Criteria: Ambry Variant Classification Scheme 2023. Collection method: clinical testing. Allele origin: germline.